The following is an entry in ClinVar:

ClinVar aggregate classification (germline): Uncertain significance (1 of 4 stars; one submission).

Conditions:
Cornelia de Lange syndrome 1 (CDLS1). Also called: TYPUS DEGENERATIVUS AMSTELODAMENSIS; Brachmann de Lange syndrome; NIPBL-Related Cornelia de Lange Syndrome. Identifiers: Orphanet 199, MedGen C4551851, MONDO:0007387, OMIM 122470.

gnomAD v4.1: 1 of 1,613,878 alleles (0.000062%); highest among the groups gnomAD compares: Non-Finnish European, 0.000085%; no homozygotes.

Submission:

Labcorp Genetics (formerly Invitae), Labcorp
Classification: Uncertain significance for Cornelia de Lange syndrome 1. Last evaluated: 2026-01-26. Review status: criteria provided, single submitter. Criteria: Invitae Variant Classification Sherloc (09022015). Collection method: clinical testing. Allele origin: germline.
Comment: This sequence change replaces proline, which is neutral and non-polar, with serine, which is neutral and polar, at codon 104 of the NIPBL protein (p.Pro104Ser). This variant is not present in population databases (gnomAD no frequency). This variant has not been reported in the literature in individuals affected with NIPBL-related conditions. Invitae Evidence Modeling of protein sequence and biophysical properties (such as structural, functional, and spatial information, amino acid conservation, physicochemical variation, residue mobility, and thermodynamic stability) has been performed for this missense variant. However, the output from this modeling did not meet the statistical confidence thresholds required to predict the impact of this variant on NIPBL protein function. In summary, the available evidence is currently insufficient to determine the role of this variant in disease. Therefore, it has been classified as a Variant of Uncertain Significance.

NM_133433.4(NIPBL):c.310C>T (p.Pro104Ser)

Gene: NIPBL (NIPBL cohesin loading factor; plus strand). Cytogenetic location: 5p13.2.
Variant type: single nucleotide variant.
Coding change: c.310C>T on transcript NM_133433.4 (MANE Select); coding-DNA position 310, C replaced by T.
Protein change: p.Pro104Ser; replaces proline 104 with serine.
Molecular consequence: missense variant.
Genome position (GRCh38, 1-based): chr5:36,958,183, C>T. VCF-style: chr5-36958183-C-T. GRCh37 (hg19) VCF-style: chr5-36958285-C-T.
Other names: c.310C>T, p.Pro104Ser (NM_001438586.1, NM_015384.5); short protein forms P104S.
Identifiers: ClinVar variation 4802716 (VCV004802716.1).